The following is an entry in ClinVar:

ClinVar aggregate classification (germline): Uncertain significance. Review status: criteria provided, multiple submitters, no conflicts (2 of 4 stars). 7 submissions from 7 submitters: Uncertain significance (6). 1 of the submissions does not count toward it. Last evaluated 2026-01-05.

Conditions:
Susceptibility to severe COVID-19.
STAT2-related disorder. Also called: STAT2-related condition.
Primary immunodeficiency with post-measles-mumps-rubella vaccine viral infection. Also called: Immunodeficiency 44. Identifiers: Orphanet 431166, MedGen C4225260, MONDO:0014715, OMIM 616636.

Allele frequency attached by ClinVar (database versions not stated): TOPMed 0.00018; 1000 Genomes Project 30x 0.00062; 1000 Genomes Project 0.00080.
gnomAD v4.1: 311 of 1,613,662 alleles (0.019%); highest among the groups gnomAD compares: Middle Eastern, 0.59%; 1 homozygote.

Submissions (7):

Labcorp Genetics (formerly Invitae), Labcorp
Classification: Uncertain significance for Primary immunodeficiency with post-measles-mumps-rubella vaccine viral infection. Last evaluated: 2026-01-05. Review status: criteria provided, single submitter. Criteria: Invitae Variant Classification Sherloc (09022015). Collection method: clinical testing. Allele origin: germline.
Comment: This sequence change replaces proline, which is neutral and non-polar, with leucine, which is neutral and non-polar, at codon 489 of the STAT2 protein (p.Pro489Leu). This variant is present in population databases (rs138681270, gnomAD 0.08%). This missense change has been observed in individual(s) with clinical features of primary immunodeficiency (PMID: 32135276). ClinVar contains an entry for this variant (Variation ID: 636365). Invitae Evidence Modeling of protein sequence and biophysical properties (such as structural, functional, and spatial information, amino acid conservation, physicochemical variation, residue mobility, and thermodynamic stability) indicates that this missense variant is expected to disrupt STAT2 protein function with a positive predictive value of 80%. In summary, the available evidence is currently insufficient to determine the role of this variant in disease. Therefore, it has been classified as a Variant of Uncertain Significance.

PreventionGenetics, part of Exact Sciences
Classification: Uncertain significance for STAT2-related condition. Last evaluated: 2025-11-25. Review status: criteria provided, single submitter. Criteria: ACMG Guidelines, 2015. Collection method: clinical testing. Allele origin: germline.
Comment: The STAT2 c.1466C>T variant is predicted to result in the amino acid substitution p.Pro489Leu. This variant has been reported in the compound heterozygous state in two individuals with hematologic immune dysregulation (Figure 3 and Supplementary Table S1, Simon et al 2020. PubMed ID: 32135276). This variant is reported in 0.085% of alleles in individuals of Latino descent in gnomAD. At this time, the clinical significance of this variant is uncertain due to the absence of conclusive functional and genetic evidence.

Blueprint Genetics
Classification: Uncertain significance. Last evaluated: 2024-10-14. Review status: criteria provided, single submitter. Criteria: ACMG Guidelines, 2015. Collection method: clinical testing. Allele origin: germline.

CeGaT Center for Human Genetics Tuebingen
Classification: Uncertain significance. Last evaluated: 2023-07-01. Review status: criteria provided, single submitter. Criteria: CeGaT Center For Human Genetics Tuebingen Variant Classification Criteria Version 2. Collection method: clinical testing. Allele origin: germline. Affected: yes. Observed: 1 variant allele.
Comment: STAT2: PM2

Revvity Omics, Revvity
Classification: Uncertain significance. Last evaluated: 2022-09-06. Review status: criteria provided, single submitter. Criteria: ACMG Guidelines, 2015. Collection method: clinical testing. Allele origin: germline.

Breakthrough Genomics
Classification: Uncertain significance. Review status: criteria provided, single submitter. Criteria: ACMG Guidelines, 2015. Collection method: not provided. Allele origin: germline. Inheritance: Autosomal recessive inheritance. Affected: yes.

Dubai Health Genomic Medicine Center, Dubai Health
Classification: Likely risk allele for Susceptibility to severe COVID-19. Last evaluated: 2022-07-01. Review status: no assertion criteria provided. Collection method: research. Allele origin: germline. Affected: yes. Not counted in ClinVar's aggregate classification.

Literature cited by the submitters: PubMed 32135276 (cited by Labcorp Genetics (formerly Invitae), Labcorp).

NM_005419.4(STAT2):c.1466C>T (p.Pro489Leu)

Gene: STAT2 (signal transducer and activator of transcription 2; minus strand). Cytogenetic location: 12q13.3.
Variant type: single nucleotide variant.
Coding change: c.1466C>T on transcript NM_005419.4 (MANE Select); coding-DNA position 1466, C replaced by T.
Protein change: p.Pro489Leu; replaces proline 489 with leucine.
Molecular consequence: missense variant.
Genome position (GRCh38, 1-based): chr12:56,349,034, G>A on the plus strand (C>T on the coding strand, the complement: STAT2 is on the minus strand). VCF-style: chr12-56349034-G-A. GRCh37 (hg19) VCF-style: chr12-56742818-G-A.
Other names: c.1454C>T, p.Pro485Leu (NM_198332.2); c.1466C>T, p.Pro489Leu (LRG_1329t1); short protein forms P489L, P485L.
Identifiers: ClinVar variation 636365 (VCV000636365.40), dbSNP rs138681270, ClinGen allele CA6630491.
Genomic context (GRCh38, chr12:56,349,034, plus strand): 5'-CCAACATAGGAGGAGAACTGCCAACTGAGAGCAGGGCCCAGCAAGCTCCAGGGGGCCTTG[G>A]GGGGGTTGGAGAAGAACTGCTGGTTCTGCAGGGGTGGGAGCAGTGTAGGCTGGCTCAGAA-3'
Protein context (NP_005410.1, residues 479-499): LQNQQFFSNP[Pro489Leu]KAPWSLLGPA